The following is an entry in ClinVar:

NM_002734.5(PRKAR1A):c.652A>G (p.Lys218Glu)

Gene: PRKAR1A (protein kinase cAMP-dependent type I regulatory subunit alpha; plus strand). Cytogenetic location: 17q24.2.
Variant type: single nucleotide variant.
Coding change: c.652A>G on transcript NM_002734.5 (MANE Select); coding-DNA position 652, A replaced by G.
Protein change: p.Lys218Glu; replaces lysine 218 with glutamic acid.
Molecular consequence: missense variant.
Genome position (GRCh38, 1-based): chr17:68,525,856, A>G. VCF-style: chr17-68525856-A-G. GRCh37 (hg19) VCF-style: chr17-66521997-A-G.
Other names: c.652A>G, p.Lys218Glu (NM_001276289.2, NM_001276290.1, NM_001278433.2 and 4 more transcripts); short protein forms K218E.
Identifiers: ClinVar variation 1513882 (VCV001513882.11), dbSNP rs950375633, ClinGen allele CA293291356.

ClinVar aggregate classification (germline): Uncertain significance. Review status: criteria provided, multiple submitters, no conflicts (2 of 4 stars). 2 submissions from 2 submitters: Uncertain significance (2). Last evaluated 2025-01-10.

Conditions:
Hereditary cancer-predisposing syndrome. Also called: Tumor predisposition; Neoplastic Syndromes, Hereditary; Hereditary neoplastic syndrome; Hereditary Cancer Syndrome. Identifiers: Orphanet 140162, MedGen C0027672, MeSH D009386, MONDO:0015356.
Carney complex, type 1 (CNC1). Also called: CARNEY COMPLEX, TYPE I; CARNEY MYXOMA-ENDOCRINE COMPLEX. Identifiers: Orphanet 1359, MedGen C2607929, MONDO:0008057, OMIM 160980.

Allele frequency attached by ClinVar (database versions not stated): gnomAD exomes below 0.00001; gnomAD 0.00001; TOPMed 0.00001.
gnomAD v4.1: 3 of 1,613,860 alleles (0.00019%); highest among the groups gnomAD compares: Non-Finnish European, 0.00017%; no homozygotes.

Submissions (2):

Ambry Genetics
Classification: Uncertain significance for Hereditary cancer-predisposing syndrome. Last evaluated: 2025-01-10. Review status: criteria provided, single submitter. Criteria: Ambry Variant Classification Scheme 2023. Collection method: clinical testing. Allele origin: germline.
Comment: The p.K218E variant (also known as c.652A>G), located in coding exon 6 of the PRKAR1A gene, results from an A to G substitution at nucleotide position 652. The lysine at codon 218 is replaced by glutamic acid, an amino acid with similar properties. This amino acid position is conserved. In addition, this alteration is predicted to be deleterious by in silico analysis. Since supporting evidence is limited at this time, the clinical significance of this alteration remains unclear.

Labcorp Genetics (formerly Invitae), Labcorp
Classification: Uncertain significance for Carney complex, type 1. Last evaluated: 2024-11-24. Review status: criteria provided, single submitter. Criteria: Invitae Variant Classification Sherloc (09022015). Collection method: clinical testing. Allele origin: germline.
Comment: This sequence change replaces lysine, which is basic and polar, with glutamic acid, which is acidic and polar, at codon 218 of the PRKAR1A protein (p.Lys218Glu). This variant is not present in population databases (gnomAD no frequency). This variant has not been reported in the literature in individuals affected with PRKAR1A-related conditions. ClinVar contains an entry for this variant (Variation ID: 1513882). Invitae Evidence Modeling of protein sequence and biophysical properties (such as structural, functional, and spatial information, amino acid conservation, physicochemical variation, residue mobility, and thermodynamic stability) has been performed for this missense variant. However, the output from this modeling did not meet the statistical confidence thresholds required to predict the impact of this variant on PRKAR1A protein function. In summary, the available evidence is currently insufficient to determine the role of this variant in disease. Therefore, it has been classified as a Variant of Uncertain Significance.